The following is an entry in ClinVar:

ClinVar aggregate classification (germline): Uncertain significance (1 of 4 stars; one submission).

Conditions:
Severe early-onset pulmonary alveolar proteinosis due to MARS deficiency. Also called: PULMONARY ALVEOLAR PROTEINOSIS, REUNION ISLAND; Interstitial lung and liver disease. Identifiers: Orphanet 440427, MedGen C4225400, MONDO:0014206, OMIM 615486.
Charcot-Marie-Tooth disease axonal type 2U. Also called: CHARCOT-MARIE-TOOTH NEUROPATHY, TYPE 2U; CHARCOT-MARIE-TOOTH DISEASE, AXONAL, AUTOSOMAL DOMINANT, TYPE 2U. Identifiers: Orphanet 397735, MedGen C4084821, MONDO:0014566, OMIM 616280.

Submission:

Labcorp Genetics (formerly Invitae), Labcorp
Classification: Uncertain significance for Charcot-Marie-Tooth disease axonal type 2U; Severe early-onset pulmonary alveolar proteinosis due to MARS deficiency. Last evaluated: 2021-11-05. Review status: criteria provided, single submitter. Criteria: Invitae Variant Classification Sherloc (09022015). Collection method: clinical testing. Allele origin: germline.
Comment: This sequence change replaces cysteine, which is neutral and slightly polar, with tyrosine, which is neutral and polar, at codon 133 of the MARS protein (p.Cys133Tyr). This variant is not present in population databases (gnomAD no frequency). This variant has not been reported in the literature in individuals affected with MARS-related conditions. Algorithms developed to predict the effect of missense changes on protein structure and function are either unavailable or do not agree on the potential impact of this missense change (SIFT: "Deleterious"; PolyPhen-2: "Benign"; Align-GVGD: "Class C0"). In summary, the available evidence is currently insufficient to determine the role of this variant in disease. Therefore, it has been classified as a Variant of Uncertain Significance.

NM_004990.4(MARS1):c.398G>A (p.Cys133Tyr)

Gene: MARS1 (methionyl-tRNA synthetase 1; plus strand). Cytogenetic location: 12q13.3.
Variant type: single nucleotide variant.
Coding change: c.398G>A on transcript NM_004990.4 (MANE Select); coding-DNA position 398, G replaced by A.
Protein change: p.Cys133Tyr; replaces cysteine 133 with tyrosine.
Molecular consequence: missense variant.
Genome position (GRCh38, 1-based): chr12:57,489,542, G>A. VCF-style: chr12-57489542-G-A. GRCh37 (hg19) VCF-style: chr12-57883325-G-A.
Other names: short protein forms C133Y.
Identifiers: ClinVar variation 1681691 (VCV001681691.6), dbSNP rs2139998020, ClinGen allele CA385491436.
Genomic context (GRCh38, chr12:57,489,542, plus strand): 5'-TTCTTGGTTCAGTGCGGAGAGCCCTGACTCACATTGACCACAGCTTGAGTCGTCAGAACT[G>A]TCCTTTCCTGGCTGGGGTGAGTTGGGTCTTGAGATGAGGACTGGGGAAGGCTTATGGTGT-3'
Protein context (NP_004981.2, residues 123-143): HIDHSLSRQN[Cys133Tyr]PFLAGETESL